The following is an entry in ClinVar:

ClinVar aggregate classification (germline): Uncertain significance. Review status: criteria provided, multiple submitters, no conflicts (2 of 4 stars). 2 submissions from 2 submitters: Uncertain significance (2). Last evaluated 2024-10-22.

Conditions:
Inborn genetic diseases. Identifiers: MedGen C0950123, MeSH D030342.
Glycogen storage disease IXb (GSD9B). Also called: GLYCOGENOSIS OF LIVER AND MUSCLE, AUTOSOMAL RECESSIVE; GSD IXb; PHOSPHORYLASE KINASE DEFICIENCY OF LIVER AND MUSCLE, AUTOSOMAL RECESSIVE. Identifiers: Orphanet 79240, MedGen C0543514, MONDO:0009868, OMIM 261750.

Allele frequency attached by ClinVar (database versions not stated): gnomAD 0.00001; gnomAD exomes 0.00001; TOPMed 0.00001; ESP Exome Variant Server 0.00008.
gnomAD v4.1: 22 of 1,612,270 alleles (0.0014%); highest among the groups gnomAD compares: South Asian, 0.0022%; no homozygotes.

Submissions (2):

Ambry Genetics
Classification: Uncertain significance for Inborn genetic diseases. Last evaluated: 2024-10-22. Review status: criteria provided, single submitter. Criteria: Ambry Variant Classification Scheme 2023. Collection method: clinical testing. Allele origin: germline.

Labcorp Genetics (formerly Invitae), Labcorp
Classification: Uncertain significance for Glycogen storage disease IXb. Last evaluated: 2021-09-24. Review status: criteria provided, single submitter. Criteria: Invitae Variant Classification Sherloc (09022015). Collection method: clinical testing. Allele origin: germline.
Comment: This sequence change replaces arginine with cysteine at codon 783 of the PHKB protein (p.Arg783Cys). The arginine residue is highly conserved and there is a large physicochemical difference between arginine and cysteine. This variant is not present in population databases (ExAC no frequency). This variant has not been reported in the literature in individuals with PHKB-related conditions. Algorithms developed to predict the effect of missense changes on protein structure and function (SIFT, PolyPhen-2, Align-GVGD) all suggest that this variant is likely to be disruptive, but these predictions have not been confirmed by published functional studies and their clinical significance is uncertain. In summary, the available evidence is currently insufficient to determine the role of this variant in disease. Therefore, it has been classified as a Variant of Uncertain Significance.

NM_000293.3(PHKB):c.2347C>T (p.Arg783Cys)

Gene: PHKB (phosphorylase kinase regulatory subunit beta; plus strand). Cytogenetic location: 16q12.1.
Variant type: single nucleotide variant.
Coding change: c.2347C>T on transcript NM_000293.3 (MANE Select); coding-DNA position 2347, C replaced by T.
Protein change: p.Arg783Cys; replaces arginine 783 with cysteine.
Molecular consequence: missense variant. On other transcripts: intron variant (2).
Genome position (GRCh38, 1-based): chr16:47,664,895, C>T. VCF-style: chr16-47664895-C-T. GRCh37 (hg19) VCF-style: chr16-47698806-C-T.
Other names: c.2347C>T (NM_000293.2); c.2337-1047C>T (NM_001363837.1); c.2316-1047C>T (NM_001031835.3); short protein forms R783C.
Identifiers: ClinVar variation 1515265 (VCV001515265.6), dbSNP rs143421326, ClinGen allele CA280219152.
Genomic context (GRCh38, chr16:47,664,895, plus strand): 5'-GTTTTATTTACTCTATTTTCCCTTTTATGGCTTTCCACTGACACACCCAGGTTGGCGGTG[C>T]GCTACGGGGCTGCATTTACCCAGAAATTTTCTTCCTCTATAGCCCCACACATTACTACTT-3'
Protein context (NP_000284.1, residues 773-793): AGSQKLWLAV[Arg783Cys]YGAAFTQKFS